The following is an entry in ClinVar:

NM_006996.3(SLC19A2):c.426C>T (p.Tyr142=)

Gene: SLC19A2 (solute carrier family 19 member 2; minus strand). Cytogenetic location: 1q24.2.
Variant type: single nucleotide variant.
Coding change: c.426C>T on transcript NM_006996.3 (MANE Select); coding-DNA position 426, C replaced by T.
Protein change: p.Tyr142=; no amino-acid change (tyrosine 142 retained).
Molecular consequence: synonymous variant. On other transcripts: intron variant (1).
Genome position (GRCh38, 1-based): chr1:169,477,536, G>A on the plus strand (C>T on the coding strand, the complement: SLC19A2 is on the minus strand). VCF-style: chr1-169477536-G-A. GRCh37 (hg19) VCF-style: chr1-169446774-G-A.
Other names: c.205-7350C>T (NM_001319667.1).
Identifiers: ClinVar variation 3898527 (VCV003898527.7).
Genomic context (GRCh38, chr1:169,477,536, plus strand): 5'-TCGACAGTAACTTGTGACTTTCTGGTACATGCCCAGGTCCACCACACTGTAGATATAAGA[G>A]TAATAGGCAATTTCAGTGGCTGTGGCGATGCCATAAAAAAATTCTAGAAATTGAATGGCC-3'
Protein context (NP_008927.1, residues 132-152): GIATATEIAY[Tyr142=]SYIYSVVDLG

ClinVar aggregate classification (germline): Likely benign (1 of 4 stars; one submission).

gnomAD v4.1: 5 of 1,614,034 alleles (0.00031%); highest among the groups gnomAD compares: Non-Finnish European, 0.00042%; no homozygotes.

Submission:

CeGaT Center for Human Genetics Tuebingen
Classification: Likely benign. Last evaluated: 2025-04-01. Review status: criteria provided, single submitter. Criteria: CeGaT Center For Human Genetics Tuebingen Variant Classification Criteria Version 2. Collection method: clinical testing. Allele origin: germline. Affected: yes. Observed: 1 variant allele.
Comment: SLC19A2: BP4, BP7